The following is an entry in ClinVar:

NM_001065.4(TNFRSF1A):c.935G>A (p.Arg312Lys)

Gene: TNFRSF1A (TNF receptor superfamily member 1A; minus strand). Cytogenetic location: 12p13.31.
Variant type: single nucleotide variant.
Coding change: c.935G>A on transcript NM_001065.4 (MANE Select); coding-DNA position 935, G replaced by A.
Protein change: p.Arg312Lys; replaces arginine 312 with lysine.
Molecular consequence: missense variant. On other transcripts: non-coding transcript variant (1).
Genome position (GRCh38, 1-based): chr12:6,329,900, C>T on the plus strand (G>A on the coding strand, the complement: TNFRSF1A is on the minus strand). VCF-style: chr12-6329900-C-T. GRCh37 (hg19) VCF-style: chr12-6439066-C-T.
Other names: c.611G>A, p.Arg204Lys (NM_001346091.2); c.476G>A, p.Arg159Lys (NM_001346092.2); short protein forms R312K, R159K, R204K.
Identifiers: ClinVar variation 378735 (VCV000378735.61), dbSNP rs200900510, ClinGen allele CA6405322.

ClinVar aggregate classification (germline): Conflicting classifications of pathogenicity. Review status: criteria provided, conflicting classifications (1 of 4 stars). 9 submissions from 9 submitters: Uncertain significance (1); Benign (1); Likely benign (6). 1 of the submissions does not count toward it. Last evaluated 2026-06-10.

Conditions:
Autoinflammatory syndrome. Identifiers: Orphanet 93665, MedGen C3890737, MONDO:0019751.
Behcet disease (BD). Also called: Behcet's syndrome; Behcet Syndrome. Identifiers: Orphanet 117, MedGen C0004943, MONDO:0007191, OMIM 109650, MeSH D001528.
TNF receptor-associated periodic fever syndrome (TRAPS) (FPF). Also called: TNF Receptor-Associated Periodic Fever Syndrome; TNF receptor 1-associated periodic fever syndrome; TNF RECEPTOR-ASSOCIATED PERIODIC SYNDROME; TUMOR NECROSIS FACTOR RECEPTOR-ASSOCIATED PERIODIC SYNDROME; Autosomal Dominant Familial Periodic Fever; FAMILIAL HIBERNIAN FEVER. Identifiers: Orphanet 32960, MedGen C1275126, MONDO:0007727, OMIM 142680.

Allele frequency attached by ClinVar (database versions not stated): gnomAD exomes 0.00025 and 0.00040; ExAC 0.00079; ESP Exome Variant Server 0.00100; gnomAD 0.00110 and 0.00113; 1000 Genomes Project 0.00120; TOPMed 0.00126; 1000 Genomes Project 30x 0.00141.
gnomAD v4.1: 548 of 1,576,896 alleles (0.035%); highest among the groups gnomAD compares: Middle Eastern, 0.45%; 3 homozygotes.

Submissions (9):

Women's Health and Genetics/Laboratory Corporation of America, LabCorp
Classification: Likely benign. Last evaluated: 2026-06-10. Review status: criteria provided, single submitter. Criteria: LabCorp Variant Classification Summary - May 2015. Collection method: clinical testing. Allele origin: germline.
Comment: Variant summary: TNFRSF1A c.935G>A (p.Arg312Lys) results in a conservative amino acid change in the encoded protein sequence. Algorithms developed to predict the effect of missense changes on protein structure and function all suggest that this variant is likely to be tolerated. The variant allele was found at a frequency of 0.0004 in 187008 control chromosomes, predominantly at a frequency of 0.0028 within the African or African-American subpopulation in the gnomAD database. The observed variant frequency within African or African-American control individuals in the gnomAD database exceeds the estimated maximal expected allele frequency for disease-causing variants in TNFRSF1A. c.935G>A has been observed in individual(s) affected with Bechet Disease (Burillo-Sanz_2017), Idiopathic Chronic Pancreatitis (Sofia_2016), and hemophagocytic lymphohistiocytosis (Chinnici_2025). These reports do not provide unequivocal conclusions about association of the variant with disease. To our knowledge, no experimental evidence demonstrating an impact on protein function has been reported. The following publications have been ascertained in the context of this evaluation (PMID: 28814775, 41070681, 27264265). ClinVar contains an entry for this variant (Variation ID: 378735). Based on the evidence outlined above, the variant was classified as likely benign.

Labcorp Genetics (formerly Invitae), Labcorp
Classification: Benign for TNF receptor-associated periodic fever syndrome (TRAPS). Last evaluated: 2026-02-01. Review status: criteria provided, single submitter. Criteria: Invitae Variant Classification Sherloc (09022015). Collection method: clinical testing. Allele origin: germline.

CeGaT Center for Human Genetics Tuebingen
Classification: Likely benign. Last evaluated: 2025-06-01. Review status: criteria provided, single submitter. Criteria: CeGaT Center For Human Genetics Tuebingen Variant Classification Criteria Version 2. Collection method: clinical testing. Allele origin: germline. Affected: yes. Observed: 6 variant alleles.
Comment: TNFRSF1A: BP4, BS1

Blueprint Genetics
Classification: Likely benign. Last evaluated: 2024-11-01. Review status: criteria provided, single submitter. Criteria: ACMG Guidelines, 2015. Collection method: clinical testing. Allele origin: germline.

GeneDx
Classification: Likely benign. Last evaluated: 2021-05-12. Review status: criteria provided, single submitter. Criteria: GeneDx Variant Classification Process June 2021. Collection method: clinical testing. Allele origin: germline. Affected: yes.
Comment: This variant is associated with the following publications: (PMID: 28814775)

Genome Diagnostics Laboratory, The Hospital for Sick Children
Classification: Likely benign for Autoinflammatory syndrome. Last evaluated: 2021-01-29. Review status: criteria provided, single submitter. Criteria: ACMG Guidelines, 2015. Collection method: clinical testing. Allele origin: germline. Affected: yes.

ARUP Laboratories, Molecular Genetics and Genomics, ARUP Laboratories
Classification: Uncertain significance. Last evaluated: 2020-03-10. Review status: criteria provided, single submitter. Criteria: ARUP Molecular Germline Variant Investigation Process. Collection method: clinical testing. Allele origin: germline.
Comment: The TNFRSF1A c.935G>A; p.Arg312Lys variant (rs200900510) is reported in the medical literature in an individual with Behcet disease (Burillo-Sanz 2017). The variant is reported in the ClinVar database (Variation ID: 378735) and is listed in the African population with an allele frequency of 0.35% (69/19,970 alleles, including 1 homozygote) in the Genome Aggregation Database. The arginine at this position is moderately conserved and computational algorithms (PolyPhen-2, SIFT) predict this variant is tolerated. Additionally, there are few known pathogenic variants in this region of the protein (Lobito 2011). Based on this and the increased population frequency in the African population, it is unlikely that this is a high penetrance pathogenic variant. However, we cannot rule out the possibility that this is a low penetrance variant without additional information. Therefore, considering available information, this variant is classified as a variant of uncertain significance. References: Burillo-Sanz S et al. Mutational profile of rare variants in inflammasome-related genes in Behcet disease: A Next Generation Sequencing approach. Sci Rep. 2017 Aug 16;7(1):8453. Lobito AA et al. Disease causing mutations in the TNF and TNFR superfamilies: Focus on molecular mechanisms driving disease. Trends Mol Med. 2011 Sep;17(9):494-505.

Illumina Laboratory Services, Illumina
Classification: Likely benign for TNF receptor-associated periodic fever syndrome (TRAPS). Last evaluated: 2018-01-13. Review status: criteria provided, single submitter. Criteria: ICSL Variant Classification Criteria 13 December 2019. Collection method: clinical testing. Allele origin: germline.
Comment: This variant was observed in the ICSL laboratory as part of a predisposition screen in an ostensibly healthy population. It had not been previously curated by ICSL or reported in the Human Gene Mutation Database (HGMD: prior to June 1st, 2018), and was therefore a candidate for classification through an automated scoring system. Utilizing variant allele frequency, disease prevalence and penetrance estimates, and inheritance mode, an automated score was calculated to assess if this variant is too frequent to cause the disease. Based on the score and internal cut-off values, a variant classified as likely benign is not then subjected to further curation. The score for this variant resulted in a classification of likely benign for this disease.

Department of Immunology, Hospital Universitario Virgen del Rocio
Classification: Pathogenic for Behcet disease. Last evaluated: 2017-02-22. Review status: no assertion criteria provided. Collection method: case-control. Allele origin: germline. Affected: yes. Observed: 1 variant allele, 1 heterozygote. Not counted in ClinVar's aggregate classification.

Literature cited by the submitters: PubMed 27264265 (cited by Women's Health and Genetics/Laboratory Corporation of America, LabCorp); PubMed 28814775 (cited by Women's Health and Genetics/Laboratory Corporation of America, LabCorp); PubMed 41070681 (cited by Women's Health and Genetics/Laboratory Corporation of America, LabCorp).